The following is an entry in ClinVar:

ClinVar aggregate classification (germline): VUS-high (1 of 4 stars; one submission).

Conditions:
Autosomal recessive titinopathy. Identifiers: MedGen CN315649, MONDO:0100493.

gnomAD v4.1: 6 of 1,612,068 alleles (0.00037%); highest among the groups gnomAD compares: Non-Finnish European, 0.00042%; no homozygotes.

Submission:

Myofin, Folkhalsan Research Center
Classification: VUS-high for Autosomal recessive titinopathy. Last evaluated: 2026-02-06. Review status: criteria provided, single submitter. Criteria: ACMG Guidelines, 2015. Collection method: research. Allele origin: germline. Affected: yes.
Comment: The variant is rare in population databases (MAF 0.000003722 in gnomAD; no homozygotes reported) and has a high deleterious computational prediction (AlphaMissense 1). Given limited case-level evidence and lack of robust variant-level functional/replication data, we classify this variant as Uncertain significance (VUS-high) for recessive titinopathy.

Literature cited by the submitters: DOI 10.1101/2025.07.17.25331121.

NM_001267550.2(TTN):c.29800T>C (p.Trp9934Arg)

Gene: TTN (titin; minus strand). Cytogenetic location: 2q31.2.
Variant type: single nucleotide variant.
Coding change: c.29800T>C on transcript NM_001267550.2 (MANE Select); coding-DNA position 29800, T replaced by C.
Protein change: p.Trp9934Arg; replaces tryptophan 9934 with arginine.
Molecular consequence: missense variant. On other transcripts: intron variant (3).
Genome position (GRCh38, 1-based): chr2:178,704,672, A>G on the plus strand (T>C on the coding strand, the complement: TTN is on the minus strand). VCF-style: chr2-178704672-A-G. GRCh37 (hg19) VCF-style: chr2-179569399-A-G.
Other names: c.28849T>C, p.Trp9617Arg (NM_001256850.1); c.26068T>C, p.Trp8690Arg (NM_133378.4); c.13282+33410T>C (NM_003319.4); c.13858+33410T>C (NM_133437.4); c.13657+33410T>C (NM_133432.3); short protein forms W8690R, W9934R, W9617R.
Identifiers: ClinVar variation 4795224 (VCV004795224.1).